The following is an entry in ClinVar:

ClinVar aggregate classification (germline): Uncertain significance (1 of 4 stars; one submission).

Allele frequency attached by ClinVar (database versions not stated): gnomAD 0.00001 and 0.00003; ExAC 0.00003; gnomAD exomes 0.00004; TOPMed 0.00006; 1000 Genomes Project 0.00020; 1000 Genomes Project 30x 0.00031.
gnomAD v4.1: 59 of 1,613,060 alleles (0.0037%); highest among the groups gnomAD compares: Admixed American, 0.018%; no homozygotes.

Submission:

Labcorp Genetics (formerly Invitae), Labcorp
Classification: Uncertain significance. Last evaluated: 2022-07-19. Review status: criteria provided, single submitter. Criteria: Invitae Variant Classification Sherloc (09022015). Collection method: clinical testing. Allele origin: germline.
Comment: This sequence change replaces glutamine, which is neutral and polar, with leucine, which is neutral and non-polar, at codon 4623 of the PCLO protein (p.Gln4623Leu). This variant is present in population databases (rs191697351, gnomAD 0.01%). This variant has not been reported in the literature in individuals affected with PCLO-related conditions. ClinVar contains an entry for this variant (Variation ID: 1363108). Algorithms developed to predict the effect of missense changes on protein structure and function are either unavailable or do not agree on the potential impact of this missense change (SIFT: "Deleterious"; PolyPhen-2: "Not Available"; Align-GVGD: "Class C0"). In summary, the available evidence is currently insufficient to determine the role of this variant in disease. Therefore, it has been classified as a Variant of Uncertain Significance.

NM_033026.6(PCLO):c.13868A>T (p.Gln4623Leu)

Gene: PCLO (piccolo presynaptic cytomatrix protein; minus strand). Cytogenetic location: 7q21.11.
Variant type: single nucleotide variant.
Coding change: c.13868A>T on transcript NM_033026.6 (MANE Select); coding-DNA position 13868, A replaced by T.
Protein change: p.Gln4623Leu; replaces glutamine 4623 with leucine.
Molecular consequence: missense variant.
Genome position (GRCh38, 1-based): chr7:82,845,449, T>A on the plus strand (A>T on the coding strand, the complement: PCLO is on the minus strand). VCF-style: chr7-82845449-T-A. GRCh37 (hg19) VCF-style: chr7-82474765-T-A.
Other names: c.13868A>T, p.Gln4623Leu (NM_014510.3); short protein forms Q4623L.
Identifiers: ClinVar variation 1363108 (VCV001363108.3), dbSNP rs191697351, ClinGen allele CA4318995.
Genomic context (GRCh38, chr7:82,845,449, plus strand): 5'-ACTGATGACAGAACCAGCGGTGACTGCTGTAGTGAAACCTTCTGGAGTTCTGCTGCCAAC[T>A]GCTTAGGATCAACCCCTGGGGATTTCGCCTTATCCACTACAACAAAATGAAAGAGATTTA-3'
Protein context (NP_149015.2, residues 4613-4633): KAKSPGVDPK[Gln4623Leu]LAAELQKVSL